The following is an entry in ClinVar:

NM_000222.3(KIT):c.1647+7A>C

Gene: KIT (KIT proto-oncogene, receptor tyrosine kinase; plus strand). Cytogenetic location: 4q12.
Variant type: single nucleotide variant.
Coding change: c.1647+7A>C on transcript NM_000222.3 (MANE Select); 7 bases into the intron after coding-DNA position 1647, A replaced by C.
Molecular consequence: intron variant.
Genome position (GRCh38, 1-based): chr4:54,727,331, A>C. VCF-style: chr4-54727331-A-C. GRCh37 (hg19) VCF-style: chr4-55593497-A-C.
Other names: c.1650+7A>C (NM_001385284.1, NM_001385290.1); c.1638+7A>C (NM_001385288.1, NM_001385292.1); c.1647+7A>C (NM_001385285.1); c.1635+7A>C (NM_001093772.2, NM_001385286.1).
Identifiers: ClinVar variation 415804 (VCV000415804.14), dbSNP rs1060504659, ClinGen allele CA16611504.

ClinVar aggregate classification (germline): Likely benign. Review status: criteria provided, multiple submitters, no conflicts (2 of 4 stars). 3 submissions from 3 submitters: Likely benign (3). Last evaluated 2026-05-27.

Conditions:
Gastrointestinal stromal tumor. Also called: Gastrointestinal stromal tumor, somatic; Gastrointestinal stroma tumor. Identifiers: Orphanet 44890, MedGen C0238198, MeSH D046152, MONDO:0011719, OMIM 606764, HP:0100723.

Allele frequency attached by ClinVar (database versions not stated): gnomAD exomes below 0.00001; gnomAD 0.00001; TOPMed 0.00001.
gnomAD v4.1: 3 of 1,613,544 alleles (0.00019%); highest among the groups gnomAD compares: Non-Finnish European, 0.00025%; no homozygotes.

Submissions (3):

Myriad Genetics, Inc.
Classification: Likely benign for Gastrointestinal stromal tumor. Last evaluated: 2026-05-27. Review status: criteria provided, single submitter. Criteria: Myriad Autosomal Dominant, Autosomal Recessive and X-Linked Classification Criteria (2023). Collection method: clinical testing. Allele origin: unknown.
Comment: This variant is considered likely benign. This variant is intronic and is not expected to impact mRNA splicing.

Labcorp Genetics (formerly Invitae), Labcorp
Classification: Likely benign for Gastrointestinal stromal tumor. Last evaluated: 2026-01-05. Review status: criteria provided, single submitter. Criteria: Invitae Variant Classification Sherloc (09022015). Collection method: clinical testing. Allele origin: germline.

Blueprint Genetics
Classification: Likely benign. Last evaluated: 2022-06-24. Review status: criteria provided, single submitter. Criteria: ACMG Guidelines, 2015. Collection method: clinical testing. Allele origin: germline.